The following is an entry in ClinVar:

NM_153741.2(DPM3):c.44G>T (p.Gly15Val)

Gene: DPM3 (dolichyl-phosphate mannosyltransferase subunit 3, regulatory; minus strand). Cytogenetic location: 1q22.
Variant type: single nucleotide variant.
Coding change: c.44G>T on transcript NM_153741.2 (MANE Select); coding-DNA position 44, G replaced by T.
Protein change: p.Gly15Val; replaces glycine 15 with valine.
Molecular consequence: missense variant.
Genome position (GRCh38, 1-based): chr1:155,140,197, C>A on the plus strand (G>T on the coding strand, the complement: DPM3 is on the minus strand). VCF-style: chr1-155140197-C-A. GRCh37 (hg19) VCF-style: chr1-155112673-C-A.
Other names: c.134G>T, p.Gly45Val (NM_018973.4); short protein forms G15V, G45V.
Identifiers: ClinVar variation 1491262 (VCV001491262.3), dbSNP rs372215837, ClinGen allele CA342664909.

ClinVar aggregate classification (germline): Uncertain significance (1 of 4 stars; one submission).

Conditions:
DPM3-congenital disorder of glycosylation (MDDGC15). Also called: CDG Io; CDG1(DPM3); DPM3-CDG; MUSCULAR DYSTROPHY-DYSTROGLYCANOPATHY (LIMB-GIRDLE), TYPE C, 15. Identifiers: Orphanet 263494, MedGen C2752007, MONDO:0013049, OMIM 612937.

gnomAD v4.1: 12 of 1,614,148 alleles (0.00074%); highest among the groups gnomAD compares: Non-Finnish European, 0.001%; no homozygotes.

Submission:

Labcorp Genetics (formerly Invitae), Labcorp
Classification: Uncertain significance for DPM3-congenital disorder of glycosylation. Last evaluated: 2021-10-19. Review status: criteria provided, single submitter. Criteria: Invitae Variant Classification Sherloc (09022015). Collection method: clinical testing. Allele origin: germline.
Comment: This sequence change replaces glycine with valine at codon 15 of the DPM3 protein (p.Gly15Val). The glycine residue is highly conserved and there is a moderate physicochemical difference between glycine and valine. This variant is not present in population databases (ExAC no frequency). This variant has not been reported in the literature in individuals affected with DPM3-related conditions. Algorithms developed to predict the effect of missense changes on protein structure and function are either unavailable or do not agree on the potential impact of this missense change (SIFT: "Deleterious"; PolyPhen-2: "Benign"; Align-GVGD: "Class C15"). In summary, the available evidence is currently insufficient to determine the role of this variant in disease. Therefore, it has been classified as a Variant of Uncertain Significance.